The following is an entry in ClinVar:

ClinVar aggregate classification (germline): Uncertain significance (1 of 4 stars; one submission).

Conditions:
Combined immunodeficiency due to DOCK8 deficiency (HIES2). Also called: HYPER-IgE RECURRENT INFECTION SYNDROME 2, AUTOSOMAL RECESSIVE; DOCK8 Deficiency; HYPER-IgE SYNDROME 2, AUTOSOMAL RECESSIVE, WITH RECURRENT INFECTIONS; HIES autosomal recessive; Hyper-IgE recurrent infection syndrome, autosomal recessive. Identifiers: Orphanet 217390, MedGen C4722305, MONDO:0009478, OMIM 243700.

Allele frequency attached by ClinVar (database versions not stated): gnomAD exomes below 0.00001; TOPMed below 0.00001; ExAC 0.00001.
gnomAD v4.1: 10 of 1,613,518 alleles (0.00062%); highest among the groups gnomAD compares: East Asian, 0.0045%; no homozygotes.

Submission:

Labcorp Genetics (formerly Invitae), Labcorp
Classification: Uncertain significance for Combined immunodeficiency due to DOCK8 deficiency. Last evaluated: 2024-11-05. Review status: criteria provided, single submitter. Criteria: Invitae Variant Classification Sherloc (09022015). Collection method: clinical testing. Allele origin: germline.
Comment: This sequence change replaces arginine, which is basic and polar, with cysteine, which is neutral and slightly polar, at codon 930 of the DOCK8 protein (p.Arg930Cys). This variant is present in population databases (rs756275384, gnomAD 0.003%). This variant has not been reported in the literature in individuals affected with DOCK8-related conditions. ClinVar contains an entry for this variant (Variation ID: 864004). An algorithm developed to predict the effect of missense changes on protein structure and function (PolyPhen-2) suggests that this variant is likely to be disruptive. In summary, the available evidence is currently insufficient to determine the role of this variant in disease. Therefore, it has been classified as a Variant of Uncertain Significance.

NM_203447.4(DOCK8):c.2788C>T (p.Arg930Cys)

Gene: DOCK8 (dedicator of cytokinesis 8; plus strand). Cytogenetic location: 9p24.3.
Variant type: single nucleotide variant.
Coding change: c.2788C>T on transcript NM_203447.4 (MANE Select); coding-DNA position 2788, C replaced by T.
Protein change: p.Arg930Cys; replaces arginine 930 with cysteine.
Molecular consequence: missense variant. On other transcripts: intron variant (1).
Genome position (GRCh38, 1-based): chr9:386,340, C>T. VCF-style: chr9-386340-C-T. GRCh37 (hg19) VCF-style: chr9-386340-C-T.
Other names: c.2574+3655C>T (NM_001190458.2); c.2584C>T, p.Arg862Cys (NM_001193536.2); short protein forms R930C, R862C.
Identifiers: ClinVar variation 864004 (VCV000864004.10), dbSNP rs756275384, ClinGen allele CA4958356.
Genomic context (GRCh38, chr9:386,340, plus strand): 5'-CTTACCTTTCCATGGTTGGTTGACTGTTAAGCCATGGTTTGTGTATTTTAGATCGCCGAT[C>T]GCAACTGCAGCCGAATGTCTTACTATTGCTCTGGCAGTAGTGATGCTCCAAGTTCACCTG-3'
Protein context (NP_982272.2, residues 920-940): KNIMSSKIAD[Arg930Cys]NCSRMSYYCS